The following is an entry in ClinVar:

NM_006946.4(SPTBN2):c.5383C>G (p.Gln1795Glu)

Gene: SPTBN2 (spectrin beta, non-erythrocytic 2; minus strand). Cytogenetic location: 11q13.2.
Variant type: single nucleotide variant.
Coding change: c.5383C>G on transcript NM_006946.4 (MANE Select); coding-DNA position 5383, C replaced by G.
Protein change: p.Gln1795Glu; replaces glutamine 1795 with glutamic acid.
Molecular consequence: missense variant.
Genome position (GRCh38, 1-based): chr11:66,691,466, G>C on the plus strand (C>G on the coding strand, the complement: SPTBN2 is on the minus strand). VCF-style: chr11-66691466-G-C. GRCh37 (hg19) VCF-style: chr11-66458937-G-C.
Other names: c.5383C>G (NM_006946.2); short protein forms Q1795E.
Identifiers: ClinVar variation 1049193 (VCV001049193.12), dbSNP rs144465703, ClinGen allele CA6128286.

ClinVar aggregate classification (germline): Conflicting classifications of pathogenicity. Review status: criteria provided, conflicting classifications (1 of 4 stars). 5 submissions from 5 submitters: Uncertain significance (3); Likely benign (1). 1 of the submissions does not count toward it. Last evaluated 2025-05-05.

Conditions:
Inborn genetic diseases. Identifiers: MedGen C0950123, MeSH D030342.

Allele frequency attached by ClinVar (database versions not stated): gnomAD exomes 0.00007 and 0.00006; TOPMed 0.00006; gnomAD 0.00007 and 0.00008; ESP Exome Variant Server 0.00008; ExAC 0.00009.
gnomAD v4.1: 108 of 1,611,614 alleles (0.0067%); highest among the groups gnomAD compares: Non-Finnish European, 0.009%; no homozygotes.

Submissions (5):

Labcorp Genetics (formerly Invitae), Labcorp
Classification: Likely benign. Last evaluated: 2025-05-05. Review status: criteria provided, single submitter. Criteria: Invitae Variant Classification Sherloc (09022015). Collection method: clinical testing. Allele origin: germline.

Athena Diagnostics
Classification: Uncertain significance. Last evaluated: 2025-04-03. Review status: criteria provided, single submitter. Criteria: Athena Diagnostics Criteria. Collection method: clinical testing. Allele origin: unknown.
Comment: Available data are insufficient to determine the clinical significance of the variant at this time. The frequency of this variant in the general population is higher than would generally be expected for pathogenic variants in this gene. Polyphen and MutationTaster yielded discordant predictions regarding whether this amino acid change is damaging to the protein.

Blueprint Genetics
Classification: Uncertain significance. Last evaluated: 2024-11-21. Review status: criteria provided, single submitter. Criteria: ACMG Guidelines, 2015. Collection method: clinical testing. Allele origin: germline.

Ambry Genetics
Classification: Uncertain significance for Inborn genetic diseases. Last evaluated: 2022-06-21. Review status: criteria provided, single submitter. Criteria: Ambry Variant Classification Scheme 2023. Collection method: clinical testing. Allele origin: germline.

Department of Pathology and Laboratory Medicine, Sinai Health System
Classification: Uncertain significance. Review status: no assertion criteria provided. Collection method: clinical testing. Allele origin: unknown. Affected: yes. Study: The Canadian Open Genetics Repository (COGR). Not counted in ClinVar's aggregate classification.
Comment: The SPTBN2 p.Gln1795Glu variant was not identified in the literature nor was it identified in ClinVar or LOVD 3.0. The variant was identified in dbSNP (ID: rs144465703) and was identified in control databases in 17 of 279538 chromosomes at a frequency of 0.00006081 (Genome Aggregation Database March 6, 2019, v2.1.1). The variant was observed in the following populations: Other in 1 of 7168 chromosomes (freq: 0.00014) and European (non-Finnish) in 16 of 127896 chromosomes (freq: 0.000125), but was not observed in the African, Latino, Ashkenazi Jewish, East Asian, European (Finnish) or South Asian populations. The p.Gln1795 residue is conserved in mammals and computational analyses (PolyPhen-2, SIFT, AlignGVGD, BLOSUM, MutationTaster) provide inconsistent predictions regarding the impact to the protein; this information is not very predictive of pathogenicity. The variant occurs outside of the splicing consensus sequence and 3 of 4 in silico or computational prediction software programs (SpliceSiteFinder, MaxEntScan, NNSPLICE, GeneSplicer) predict a greater than 10% difference in splicing. However, this information is not predictive enough to assume pathogenicity. In summary, based on the above information the clinical significance of this variant cannot be determined with certainty at this time. This variant is classified as a variant of uncertain significance.